The following is an entry in ClinVar:

ClinVar aggregate classification (germline): Uncertain significance (1 of 4 stars; one submission).

Conditions:
Inborn genetic diseases. Identifiers: MedGen C0950123, MeSH D030342.

Submission:

Ambry Genetics
Classification: Uncertain significance for Inborn genetic diseases. Last evaluated: 2025-01-14. Review status: criteria provided, single submitter. Criteria: Ambry Variant Classification Scheme 2023. Collection method: clinical testing. Allele origin: germline.
Comment: The p.F1232S variant (also known as c.3695T>C), located in coding exon 37 of the FANCA gene, results from a T to C substitution at nucleotide position 3695. The phenylalanine at codon 1232 is replaced by serine, an amino acid with highly dissimilar properties. This amino acid position is conserved. In addition, the in silico prediction for this alteration is inconclusive. Based on the available evidence, the clinical significance of this variant remains unclear.

NM_000135.4(FANCA):c.3695T>C (p.Phe1232Ser)

Gene: FANCA (FA complementation group A; minus strand). Cytogenetic location: 16q24.3.
Variant type: single nucleotide variant.
Coding change: c.3695T>C on transcript NM_000135.4 (MANE Select); coding-DNA position 3695, T replaced by C.
Protein change: p.Phe1232Ser; replaces phenylalanine 1232 with serine.
Molecular consequence: missense variant.
Genome position (GRCh38, 1-based): chr16:89,742,870, A>G on the plus strand (T>C on the coding strand, the complement: FANCA is on the minus strand). VCF-style: chr16-89742870-A-G. GRCh37 (hg19) VCF-style: chr16-89809278-A-G.
Other names: c.3695T>C, p.Phe1232Ser (NM_001286167.3); short protein forms F1232S.
Identifiers: ClinVar variation 3848110 (VCV003848110.1).